The following is an entry in ClinVar:

ClinVar aggregate classification (germline): Uncertain significance (1 of 4 stars; one submission).

Conditions:
Cardiovascular phenotype. Identifiers: MedGen CN230736.

Submission:

Ambry Genetics
Classification: Uncertain significance for Cardiovascular phenotype. Last evaluated: 2026-09-11. Review status: criteria provided, single submitter. Criteria: Ambry Variant Classification Scheme 2023. Collection method: clinical testing. Allele origin: germline.
Comment: The p.D402Y variant (also known as c.1204G>T), located in coding exon 9 of the DSG2 gene, results from a G to T substitution at nucleotide position 1204. The aspartic acid at codon 402 is replaced by tyrosine, an amino acid with highly dissimilar properties. This amino acid position is conserved. In addition, this alteration is predicted to be tolerated by in silico analysis. Based on the available evidence, the clinical significance of this variant remains unclear.

NM_001943.5(DSG2):c.1204G>T (p.Asp402Tyr)

Gene: DSG2 (desmoglein 2; plus strand). Cytogenetic location: 18q12.1.
Variant type: single nucleotide variant.
Coding change: c.1204G>T on transcript NM_001943.5 (MANE Select); coding-DNA position 1204, G replaced by T.
Protein change: p.Asp402Tyr; replaces aspartic acid 402 with tyrosine.
Molecular consequence: missense variant.
Genome position (GRCh38, 1-based): chr18:31,531,176, G>T. VCF-style: chr18-31531176-G-T. GRCh37 (hg19) VCF-style: chr18-29111139-G-T.
Other names: short protein forms D402Y.
Identifiers: ClinVar variation 4838897 (VCV004838897.2).